The following is an entry in ClinVar:

ClinVar aggregate classification (germline): Uncertain significance (1 of 4 stars; one submission).

Allele frequency attached by ClinVar (database versions not stated): gnomAD exomes below 0.00001; gnomAD 0.00001.
gnomAD v4.1: 3 of 1,614,038 alleles (0.00019%); highest among the groups gnomAD compares: Non-Finnish European, 0.00025%; no homozygotes.

Submission:

Labcorp Genetics (formerly Invitae), Labcorp
Classification: Uncertain significance. Last evaluated: 2022-03-18. Review status: criteria provided, single submitter. Criteria: Invitae Variant Classification Sherloc (09022015). Collection method: clinical testing. Allele origin: germline.
Comment: This sequence change replaces aspartic acid, which is acidic and polar, with glycine, which is neutral and non-polar, at codon 950 of the HYOU1 protein (p.Asp950Gly). This variant is not present in population databases (gnomAD no frequency). This variant has not been reported in the literature in individuals affected with HYOU1-related conditions. Algorithms developed to predict the effect of missense changes on protein structure and function (SIFT, PolyPhen-2, Align-GVGD) all suggest that this variant is likely to be tolerated. Algorithms developed to predict the effect of sequence changes on RNA splicing suggest that this variant may create or strengthen a splice site. In summary, the available evidence is currently insufficient to determine the role of this variant in disease. Therefore, it has been classified as a Variant of Uncertain Significance.

NM_006389.5(HYOU1):c.2849A>G (p.Asp950Gly)

Gene: HYOU1 (hypoxia up-regulated 1; minus strand). Cytogenetic location: 11q23.3.
Variant type: single nucleotide variant.
Coding change: c.2849A>G on transcript NM_006389.5 (MANE Select); coding-DNA position 2849, A replaced by G.
Protein change: p.Asp950Gly; replaces aspartic acid 950 with glycine.
Molecular consequence: missense variant.
Genome position (GRCh38, 1-based): chr11:119,046,455, T>C on the plus strand (A>G on the coding strand, the complement: HYOU1 is on the minus strand). VCF-style: chr11-119046455-T-C. GRCh37 (hg19) VCF-style: chr11-118917167-T-C.
Other names: c.2849A>G, p.Asp950Gly (NM_001130991.3); short protein forms D950G.
Identifiers: ClinVar variation 1389702 (VCV001389702.6), dbSNP rs1944082149, ClinGen allele CA382917707.